The following is an entry in ClinVar:

ClinVar aggregate classification (germline): Likely benign. Review status: criteria provided, single submitter (1 of 4 stars). 3 submissions from 3 submitters: Likely benign (1). 2 of the submissions do not count toward it. Last evaluated 2025-11-11.

Conditions:
NEB-related disorder. Also called: NEB-related condition; NEB-Related Disorders.
Nemaline myopathy 2 (NEM2). Also called: Nemaline myopathy 2, autosomal recessive. Identifiers: MedGen C1850569, MONDO:0009725, OMIM 256030.

Allele frequency attached by ClinVar (database versions not stated): ExAC 0.00007; gnomAD exomes 0.00007; TOPMed 0.00007; gnomAD 0.00009; ESP Exome Variant Server 0.00016.
gnomAD v4.1: 194 of 1,609,508 alleles (0.012%); highest among the groups gnomAD compares: East Asian, 0.022%; no homozygotes.

Submissions (3):

Labcorp Genetics (formerly Invitae), Labcorp
Classification: Likely benign for Nemaline myopathy 2. Last evaluated: 2025-11-11. Review status: criteria provided, single submitter. Criteria: Invitae Variant Classification Sherloc (09022015). Collection method: clinical testing. Allele origin: germline.

PreventionGenetics, part of Exact Sciences
Classification: Likely benign for NEB-related condition. Last evaluated: 2022-05-20. Review status: no assertion criteria provided. Collection method: clinical testing. Allele origin: germline. Not counted in ClinVar's aggregate classification.
Comment: This variant is classified as likely benign based on ACMG/AMP sequence variant interpretation guidelines (Richards et al. 2015 PMID: 25741868, with internal and published modifications).

Natera, Inc.
Classification: Uncertain significance for Nemaline myopathy type 2. Last evaluated: 2020-01-24. Review status: no assertion criteria provided. Collection method: clinical testing. Allele origin: germline. Not counted in ClinVar's aggregate classification.

NM_001164508.2(NEB):c.17844+7C>T

Gene: NEB (nebulin; minus strand). Cytogenetic location: 2q23.3.
Variant type: single nucleotide variant.
Coding change: c.17844+7C>T on transcript NM_001164508.2 (MANE Select); 7 bases into the intron after coding-DNA position 17844, C replaced by T.
Molecular consequence: intron variant.
Genome position (GRCh38, 1-based): chr2:151,568,064, G>A on the plus strand (C>T on the coding strand, the complement: NEB is on the minus strand). VCF-style: chr2-151568064-G-A. GRCh37 (hg19) VCF-style: chr2-152424578-G-A.
Other names: c.12741+7C>T (NM_004543.5); c.17844+7C>T (NM_001164507.2, NM_001271208.2).
Identifiers: ClinVar variation 706457 (VCV000706457.14), dbSNP rs373259828, ClinGen allele CA1908093.